The following is an entry in ClinVar:

NM_000257.4(MYH7):c.3036C>T (p.Ala1012=)

Gene: MYH7 (myosin heavy chain 7; minus strand). Cytogenetic location: 14q11.2.
Variant type: single nucleotide variant.
Coding change: c.3036C>T on transcript NM_000257.4 (MANE Select); coding-DNA position 3036, C replaced by T.
Protein change: p.Ala1012=; no amino-acid change (alanine 1012 retained).
Molecular consequence: synonymous variant.
Genome position (GRCh38, 1-based): chr14:23,423,610, G>A on the plus strand (C>T on the coding strand, the complement: MYH7 is on the minus strand). VCF-style: chr14-23423610-G-A. GRCh37 (hg19) VCF-style: chr14-23892819-G-A.
Other names: NM_000257.3(MYH7):c.3036C>T.
Identifiers: ClinVar variation 42945 (VCV000042945.86), dbSNP rs145379951, ClinGen allele CA013313.

ClinVar aggregate classification (germline): Benign. Review status: reviewed by expert panel (3 of 4 stars). 22 submissions from 20 submitters: Benign (1). 21 of the submissions do not count toward it. Last evaluated 2025-11-11.

Conditions:
MYH7-related disorder. Also called: MYH7-related disorders; MYH7-related condition; MYH7-related disease.
Myosin storage myopathy (CMYO7A). Also called: MYH7-related late-onset scapuloperoneal muscular dystrophy; Congenital myopathy 7A, myosin storage, autosomal dominant; Scapuloperoneal myopathy, MYH7-related; MYOPATHY WITH LYSIS OF TYPE I MYOFIBRILS; SCAPULOPERONEAL MUSCULAR DYSTROPHY; SCAPULOPERONEAL SYNDROME, MYOPATHIC TYPE. Identifiers: Orphanet 437572, Orphanet 636965, MedGen C1842160, MONDO:0008409, OMIM 608358.
Congenital myopathy with fiber type disproportion. Also called: Congenital fiber-type disproportion myopathy; Congenital fiber-type disproportion. Identifiers: Orphanet 2020, MedGen C0546264, MONDO:0009711. Inheritance: all.
MYH7-related skeletal myopathy. Also called: Myopathy, distal, 1; MYOPATHY, DISTAL, EARLY-ONSET, AUTOSOMAL DOMINANT; MYOPATHY, LATE DISTAL HEREDITARY; Laing distal myopathy; Laing early-onset distal myopathy. Identifiers: Orphanet 59135, MedGen C4552004, MONDO:0008050, OMIM 160500.
Dilated cardiomyopathy 1S (CMD1S). Identifiers: Orphanet 154, Orphanet 54260, MedGen C1834481, MONDO:0013262, OMIM 613426.
Myopathy, myosin storage, autosomal recessive (CMYO7B). Also called: CONGENITAL MYOPATHY 7B, MYOSIN STORAGE, AUTOSOMAL RECESSIVE. Identifiers: Orphanet 636970, MedGen C1850709, MONDO:0009708, OMIM 255160.
Hypertrophic cardiomyopathy 1 (CMH1). Also called: Familial hypertrophic cardiomyopathy 1; MYH7-Related Familial Hypertrophic Cardiomyopathy. Identifiers: MedGen C3495498, MONDO:0008647, OMIM 192600.
Cardiovascular phenotype. Identifiers: MedGen CN230736.
Cardiomyopathy (CMYO). Also called: Cardiomyopathies. Identifiers: Orphanet 167848, MedGen C0878544, MONDO:0004994, HP:0001638. Inheritance: Various modes of inheritance.
Hypertrophic cardiomyopathy. Also called: HYPERTROPHIC MYOCARDIOPATHY. Identifiers: Orphanet 217569, MedGen C0007194, MeSH D002312, MONDO:0005045, HP:0001639.

Allele frequency attached by ClinVar (database versions not stated): ESP Exome Variant Server 0.00008; gnomAD 0.00050 and 0.00075; TOPMed 0.00057; gnomAD exomes 0.00165; 1000 Genomes Project 0.00260; 1000 Genomes Project 30x 0.00250; ExAC 0.00152.
gnomAD v4.1: 1,402 of 1,613,944 alleles (0.087%); highest among the groups gnomAD compares: Middle Eastern, 1%; 18 homozygotes.

Submissions (22):

ClinGen Cardiomyopathy Variant Curation Expert Panel
Classification: Benign for Hypertrophic cardiomyopathy. Last evaluated: 2025-11-11. Review status: reviewed by expert panel. Criteria: ClinGen CMP ACMG Specifications v1. Collection method: curation. Allele origin: germline. Inheritance: Autosomal dominant inheritance.
Comment: The filtering allele frequency of the c.3036C>T (p.Ala1012=) silent variant in the MYH7 gene is 0.7% (137/16512) of South Asian chromosomes by the Exome Aggregation Consortium, which is a high enough frequency to be classified as benign based on thresholds defined by the ClinGen Inherited Cardiomyopathy Expert Panel (BA1, BP7; PMID:29300372).

CeGaT Center for Human Genetics Tuebingen
Classification: Likely benign. Last evaluated: 2026-09-01. Review status: criteria provided, single submitter. Criteria: CeGaT Center For Human Genetics Tuebingen Variant Classification Criteria Version 2. Collection method: clinical testing. Allele origin: germline. Affected: yes. Observed: 39 variant alleles. Not counted in ClinVar's aggregate classification.
Comment: MYH7: BP4, BP7, BS2

Molecular Diagnostic Laboratory for Inherited Cardiovascular Disease, Montreal Heart Institute
Classification: Benign. Last evaluated: 2026-03-27. Review status: criteria provided, single submitter. Criteria: ACMG Guidelines, 2015. Collection method: clinical testing. Allele origin: germline. Affected: no. Not counted in ClinVar's aggregate classification.

Labcorp Genetics (formerly Invitae), Labcorp
Classification: Benign for Hypertrophic cardiomyopathy. Last evaluated: 2026-01-28. Review status: criteria provided, single submitter. Criteria: Invitae Variant Classification Sherloc (09022015). Collection method: clinical testing. Allele origin: germline. Not counted in ClinVar's aggregate classification.

Blueprint Genetics
Classification: Likely benign. Last evaluated: 2024-11-27. Review status: criteria provided, single submitter. Criteria: ACMG Guidelines, 2015. Collection method: clinical testing. Allele origin: germline. Not counted in ClinVar's aggregate classification.

Fulgent Genetics
Classification: Benign for MYH7-related skeletal myopathy; Myosin storage myopathy; Hypertrophic cardiomyopathy 1; Myopathy, myosin storage, autosomal recessive; Congenital myopathy 4A, autosomal dominant; Dilated cardiomyopathy 1S. Last evaluated: 2021-08-02. Review status: criteria provided, single submitter. Criteria: ACMG Guidelines, 2015. Collection method: clinical testing. Allele origin: unknown. Not counted in ClinVar's aggregate classification.

Women's Health and Genetics/Laboratory Corporation of America, LabCorp
Classification: Benign. Last evaluated: 2019-12-14. Review status: criteria provided, single submitter. Criteria: LabCorp Variant Classification Summary - May 2015. Collection method: clinical testing. Allele origin: germline. Not counted in ClinVar's aggregate classification.

Color Diagnostics, LLC DBA Color Health
Classification: Benign for Cardiomyopathy. Last evaluated: 2018-03-07. Review status: criteria provided, single submitter. Criteria: ACMG Guidelines, 2015. Collection method: clinical testing. Allele origin: germline. Not counted in ClinVar's aggregate classification.

Illumina Laboratory Services, Illumina
Classification: Benign for MYH7-related skeletal myopathy. Last evaluated: 2018-01-13. Review status: criteria provided, single submitter. Criteria: ICSL Variant Classification Criteria 13 December 2019. Collection method: clinical testing. Allele origin: germline. Not counted in ClinVar's aggregate classification.
Comment: This variant was observed in the ICSL laboratory as part of a predisposition screen in an ostensibly healthy population. It had not been previously curated by ICSL or reported in the Human Gene Mutation Database (HGMD: prior to June 1st, 2018), and was therefore a candidate for classification through an automated scoring system. Utilizing variant allele frequency, disease prevalence and penetrance estimates, and inheritance mode, an automated score was calculated to assess if this variant is too frequent to cause the disease. Based on the score and internal cut-off values, a variant classified as benign is not then subjected to further curation. The score for this variant resulted in a classification of benign for this disease.

Illumina Laboratory Services, Illumina
Classification: Likely benign for Myosin storage myopathy. Last evaluated: 2018-01-13. Review status: criteria provided, single submitter. Criteria: ICSL Variant Classification Criteria 13 December 2019. Collection method: clinical testing. Allele origin: germline. Not counted in ClinVar's aggregate classification.
Comment: This variant was observed in the ICSL laboratory as part of a predisposition screen in an ostensibly healthy population. It had not been previously curated by ICSL or reported in the Human Gene Mutation Database (HGMD: prior to June 1st, 2018), and was therefore a candidate for classification through an automated scoring system. Utilizing variant allele frequency, disease prevalence and penetrance estimates, and inheritance mode, an automated score was calculated to assess if this variant is too frequent to cause the disease. Based on the score and internal cut-off values, a variant classified as likely benign is not then subjected to further curation. The score for this variant resulted in a classification of likely benign for this disease.

Illumina Laboratory Services, Illumina
Classification: Likely benign for Hypertrophic cardiomyopathy 1. Last evaluated: 2018-01-13. Review status: criteria provided, single submitter. Criteria: ICSL Variant Classification Criteria 13 December 2019. Collection method: clinical testing. Allele origin: germline. Not counted in ClinVar's aggregate classification.
Comment: the same text as in the submission from Illumina Laboratory Services, Illumina above.

Eurofins Ntd Llc (ga)
Classification: Benign. Last evaluated: 2017-09-28. Review status: criteria provided, single submitter. Criteria: EGL Classification Definitions 2015. Collection method: clinical testing. Allele origin: germline. Observed: 1 variant allele, 1 heterozygote. Not counted in ClinVar's aggregate classification.

Genetic Services Laboratory, University of Chicago
Classification: Likely benign. Last evaluated: 2016-05-05. Review status: criteria provided, single submitter. Criteria: ACMG Guidelines, 2015. Collection method: clinical testing. Allele origin: germline. Affected: no. Not counted in ClinVar's aggregate classification.

Ambry Genetics
Classification: Likely benign for Cardiovascular phenotype. Last evaluated: 2015-09-28. Review status: criteria provided, single submitter. Criteria: Ambry Variant Classification Scheme 2023. Collection method: clinical testing. Allele origin: germline. Not counted in ClinVar's aggregate classification.

GeneDx
Classification: Benign. Last evaluated: 2015-03-03. Review status: criteria provided, single submitter. Criteria: GeneDx Variant Classification Process June 2021. Collection method: clinical testing. Allele origin: germline. Affected: yes. Not counted in ClinVar's aggregate classification.

Laboratory for Molecular Medicine, Mass General Brigham Personalized Medicine
Classification: Likely benign. Last evaluated: 2012-04-06. Review status: criteria provided, single submitter. Criteria: LMM Criteria. Collection method: clinical testing. Allele origin: germline. Observed: 12 variant alleles. Not counted in ClinVar's aggregate classification.
Comment: p.Ala1012Ala in exon 24 of MYH7: This variant is not expected to have clinical s ignificance because it does not alter an amino acid residue and is not located w ithin the splice consensus sequence. It has been identified in 1/3738 African Am erican chromosomes from a broad population by the NHLBI Exome Sequencing Project (dbSNP rs145379951).

Breakthrough Genomics
Classification: Benign. Review status: criteria provided, single submitter. Criteria: ACMG Guidelines, 2015. Collection method: not provided. Allele origin: germline. Inheritance: Autosomal recessive inheritance. Affected: yes. Not counted in ClinVar's aggregate classification.

PreventionGenetics, part of Exact Sciences
Classification: Benign for MYH7-related condition. Last evaluated: 2020-02-25. Review status: no assertion criteria provided. Collection method: clinical testing. Allele origin: germline. Not counted in ClinVar's aggregate classification.
Comment: This variant is classified as benign based on ACMG/AMP sequence variant interpretation guidelines (Richards et al. 2015 PMID: 25741868, with internal and published modifications).

Clinical Genetics DNA and cytogenetics Diagnostics Lab, Erasmus MC, Erasmus Medical Center
Classification: Likely benign. Review status: no assertion criteria provided. Collection method: clinical testing. Allele origin: germline. Affected: yes. Study: VKGL Data-share Consensus. Not counted in ClinVar's aggregate classification.

Clinical Genetics, Academic Medical Center
Classification: Benign. Review status: no assertion criteria provided. Collection method: clinical testing. Allele origin: germline. Affected: yes. Study: VKGL Data-share Consensus. Not counted in ClinVar's aggregate classification.

Diagnostic Laboratory, Department of Genetics, University Medical Center Groningen
Classification: Likely benign. Review status: no assertion criteria provided. Collection method: clinical testing. Allele origin: germline. Affected: yes. Study: VKGL Data-share Consensus. Not counted in ClinVar's aggregate classification.

Joint Genome Diagnostic Labs from Nijmegen and Maastricht, Radboudumc and MUMC+
Classification: Benign. Review status: no assertion criteria provided. Collection method: clinical testing. Allele origin: germline. Affected: yes. Study: VKGL Data-share Consensus. Not counted in ClinVar's aggregate classification.

Literature cited by the submitters: PubMed 29300372 (cited by ClinGen Cardiomyopathy Variant Curation Expert Panel); PubMed 15769782 (cited by Women's Health and Genetics/Laboratory Corporation of America, LabCorp); PubMed 15858117 (cited by Women's Health and Genetics/Laboratory Corporation of America, LabCorp and Laboratory for Molecular Medicine, Mass General Brigham Personalized Medicine).